The following is an entry in ClinVar:

ClinVar aggregate classification (germline): Pathogenic/Likely pathogenic. Review status: criteria provided, multiple submitters, no conflicts (2 of 4 stars). 11 submissions from 11 submitters: Pathogenic (8); Likely pathogenic (2). 1 of the submissions does not count toward it. Last evaluated 2026-03-12.

Conditions:
TGM1-related disorder. Also called: TGM1-related condition.
Autosomal recessive congenital ichthyosis 1 (LI1). Also called: ICHTHYOSIS, CONGENITAL, AUTOSOMAL RECESSIVE 1, WITH BATHING SUIT DISTRIBUTION; ICHTHYOSIS, CONGENITAL, AUTOSOMAL RECESSIVE 1, WITH OR WITHOUT BATHING SUIT DISTRIBUTION; ICHTHYOSIS CONGENITA; ICHTHYOSIS CONGENITA II; LAMELLAR EXFOLIATION OF NEWBORN; COLLODION FETUS. Identifiers: MedGen C4551630, MONDO:0009441, OMIM 242300.

Allele frequency attached by ClinVar (database versions not stated): gnomAD 0.00001; gnomAD exomes 0.00002 and 0.00003; TOPMed 0.00003; ESP Exome Variant Server 0.00008.
gnomAD v4.1: 42 of 1,613,998 alleles (0.0026%); highest among the groups gnomAD compares: Middle Eastern, 0.016%; no homozygotes.

Submissions (11):

PreventionGenetics, part of Exact Sciences
Classification: Pathogenic for TGM1-related condition. Last evaluated: 2026-03-12. Review status: criteria provided, single submitter. Criteria: ACMG Guidelines, 2015. Collection method: clinical testing. Allele origin: germline.
Comment: The TGM1 c.790C>T variant is predicted to result in the amino acid substitution p.Arg264Trp. This variant has been reported in the compound heterozygous state, homozygous state, or along with a second pathogenic variant in TGM1 in multiple individuals with ichthyosis (Oji et al. 2006. PubMed ID: 16968736; Table SI, Pigg et al. 2016. PubMed ID: 27025581; Table S1, Frommherz et al. 2021. PubMed ID: 34273205; Gülnerman et al. 2023. PubMed ID: 38061711; Marukian et al. 2017. PubMed ID: 28403434). A functional study indicates this variant results in reduced enzymatic activity compared to control (Aufenvenne et al. 2009. PubMed ID: 19212342). This variant is reported in 0.0054% of alleles in individuals of East Asian descent in gnomAD. An alternate missense change at this amino acid (p.Arg264Gln) has also been reported in an individual with ichthyosis (Oji. 2006. PubMed ID: 16968736). Taken together, the p.Arg264Trp variant is interpreted as pathogenic.

Genomic Medicine Center of Excellence, King Faisal Specialist Hospital and Research Centre
Classification: Likely pathogenic for Autosomal recessive congenital ichthyosis 1. Last evaluated: 2025-09-10. Review status: criteria provided, single submitter. Criteria: ACMG Guidelines, 2015. Collection method: clinical testing. Allele origin: germline.

Natera, Inc.
Classification: Pathogenic for Autosomal recessive congenital ichthyosis type 1. Last evaluated: 2025-08-13. Review status: criteria provided, single submitter. Criteria: Natera Variant Classification Schema (03/2026). Collection method: clinical testing. Allele origin: germline.
Comment: The c.790C>T variant in TGM1 is a missense variant predicted to cause substitution of arginine to tryptophan at amino acid 264. This variant is rare in the general population with a frequency below the threshold expected for the associated phenotype(s). This variant has been observed in one or more individuals affected with the associated recessive disease, as either homozygous or compound heterozygous with a second variant (PMID: 30578701, 28403434). Given the available evidence, this variant is classified as Pathogenic.

Labcorp Genetics (formerly Invitae), Labcorp
Classification: Pathogenic. Last evaluated: 2024-10-03. Review status: criteria provided, single submitter. Criteria: Invitae Variant Classification Sherloc (09022015). Collection method: clinical testing. Allele origin: germline.
Comment: This sequence change replaces arginine, which is basic and polar, with tryptophan, which is neutral and slightly polar, at codon 264 of the TGM1 protein (p.Arg264Trp). This variant is present in population databases (rs201868387, gnomAD 0.006%). This missense change has been observed in individuals with bathing suit ichthyosis or congenital ichthyosiform erythroderma (PMID: 16968736, 27025581, 28403434). It has also been observed to segregate with disease in related individuals. ClinVar contains an entry for this variant (Variation ID: 372532). Invitae Evidence Modeling of protein sequence and biophysical properties (such as structural, functional, and spatial information, amino acid conservation, physicochemical variation, residue mobility, and thermodynamic stability) indicates that this missense variant is expected to disrupt TGM1 protein function with a positive predictive value of 80%. Experimental studies have shown that this missense change affects TGM1 function (PMID: 19212342). For these reasons, this variant has been classified as Pathogenic.

GeneDx
Classification: Pathogenic. Last evaluated: 2024-07-09. Review status: criteria provided, single submitter. Criteria: GeneDx Variant Classification Process June 2021. Collection method: clinical testing. Allele origin: germline. Affected: yes.
Comment: Published functional studies demonstrate a damaging effect on enzyme activity (PMID: 19212342); This variant is associated with the following publications: (PMID: 31589614, 30693114, 19241467, 19212342, 16968736, 27025581, 34273205, 28403434, 38061711)

Fulgent Genetics
Classification: Pathogenic for Autosomal recessive congenital ichthyosis 1. Last evaluated: 2024-04-25. Review status: criteria provided, single submitter. Criteria: ACMG Guidelines, 2015. Collection method: clinical testing. Allele origin: germline.

Victorian Clinical Genetics Services, Murdoch Childrens Research Institute
Classification: Pathogenic for Autosomal recessive congenital ichthyosis 1. Last evaluated: 2022-09-02. Review status: criteria provided, single submitter. Criteria: ACMG Guidelines, 2015. Collection method: clinical testing. Allele origin: germline. Inheritance: Autosomal recessive inheritance. Affected: yes.
Comment: Based on the classification scheme VCGS_Germline_v1.3.4, this variant is classified as Pathogenic. Following criteria are met: 0102 - Loss of function is a known mechanism of disease in this gene and is associated with autosomal recessive congenital ichthyosis 1 (MIM#242300). (I) 0106 - This gene is associated with autosomal recessive disease. (I) 0200 - Variant is predicted to result in a missense amino acid change from arginine to tryptophan. (I) 0251 - This variant is heterozygous. (I) 0304 - Variant is present in gnomAD (v2) <0.01 for a recessive condition (v2) (5 heterozygotes, 0 homozygotes). (SP) 0309 - An alternative amino acid change at the same position has been observed in gnomAD (v2) (9 heterozygotes, 0 homozygotes). (I) 0501 - Missense variant consistently predicted to be damaging by multiple in silico tools or highly conserved with a major amino acid change. (SP) 0600 - Variant is located in the annotated catalytic core domain (PMID: 28403434). (I) 0704 - Another missense variant comparable to the one identified in this case has limited previous evidence for pathogenicity. A different variant in the same codon resulting in a change to a glutamine has been previously reported in individuals with ichthyosis (ClinVar, PMID: 16968736). (SP) 0801 - This variant has strong previous evidence of pathogenicity in unrelated individuals. This variant has been previously reported in individuals with ichthyosis (ClinVar, PMID: 16968736, PMID: 28403434). (SP) 1201 - Heterozygous variant detected in trans with a second pathogenic heterozygous variant (c.877-2A>G) in a recessive disease. (I) Legend: (SP) - Supporting pathogenic, (I) - Information, (SB) - Supporting benign

Revvity Omics, Revvity
Classification: Pathogenic for Autosomal recessive congenital ichthyosis 1. Last evaluated: 2021-05-06. Review status: criteria provided, single submitter. Criteria: ACMG Guidelines, 2015. Collection method: clinical testing. Allele origin: germline.

Genome-Nilou Lab
Classification: Likely pathogenic for Autosomal recessive congenital ichthyosis 1. Review status: criteria provided, single submitter. Criteria: ACMG Guidelines, 2015. Collection method: clinical testing. Allele origin: germline.

Juno Genomics, Hangzhou Juno Genomics, Inc
Classification: Pathogenic for Autosomal recessive congenital ichthyosis 1. Review status: criteria provided, single submitter. Criteria: ACMG Guidelines, 2015. Collection method: clinical testing. Allele origin: germline.
Comment: Absent from controls (or at extremely low frequency if recessive) in Genome Aggregation Database.;Multiple lines of computational evidence support a deleterious effect on the gene or gene product.;Novel missense change at an amino acid residue where a different missense change determined to be pathogenic has been seen before.;For recessive disorders, detected in trans with a pathogenic variant.;Located in a mutational hot spot and/or critical and well-established functional domain without benign variation.

Counsyl
Classification: Likely pathogenic for Autosomal recessive congenital ichthyosis 1. Last evaluated: 2018-04-02. Review status: no assertion criteria provided. Collection method: clinical testing. Allele origin: unknown. Not counted in ClinVar's aggregate classification.

Literature cited by the submitters: PubMed 30578701 (cited by Natera, Inc.); PubMed 28403434 (cited by 4 submitters); PubMed 16968736 (cited by 3 submitters); PubMed 27025581 (cited by Labcorp Genetics (formerly Invitae), Labcorp and Counsyl); PubMed 19212342 (cited by Labcorp Genetics (formerly Invitae), Labcorp and Counsyl).

NM_000359.3(TGM1):c.790C>T (p.Arg264Trp)

Gene: TGM1 (transglutaminase 1; minus strand). Cytogenetic location: 14q12.
Variant type: single nucleotide variant.
Coding change: c.790C>T on transcript NM_000359.3 (MANE Select); coding-DNA position 790, C replaced by T.
Protein change: p.Arg264Trp; replaces arginine 264 with tryptophan.
Molecular consequence: missense variant.
Genome position (GRCh38, 1-based): chr14:24,260,026, G>A on the plus strand (C>T on the coding strand, the complement: TGM1 is on the minus strand). VCF-style: chr14-24260026-G-A. GRCh37 (hg19) VCF-style: chr14-24729232-G-A.
Other names: short protein forms R264W.
Identifiers: ClinVar variation 372532 (VCV000372532.31), dbSNP rs201868387, ClinGen allele CA16042858.